The following is an entry in ClinVar:

ClinVar aggregate classification (germline): Uncertain significance (1 of 4 stars; one submission).

Conditions:
Pitt-Hopkins-like syndrome 2 (PTHSL2). Identifiers: Orphanet 221150, Orphanet 600663, MedGen C3280479, MONDO:0013690, OMIM 614325.

Submission:

Labcorp Genetics (formerly Invitae), Labcorp
Classification: Uncertain significance for Pitt-Hopkins-like syndrome 2. Last evaluated: 2023-10-13. Review status: criteria provided, single submitter. Criteria: Invitae Variant Classification Sherloc (09022015). Collection method: clinical testing. Allele origin: germline.
Comment: This sequence change replaces glycine, which is neutral and non-polar, with arginine, which is basic and polar, at codon 87 of the NRXN1 protein (p.Gly87Arg). This variant is not present in population databases (gnomAD no frequency). This variant has not been reported in the literature in individuals affected with NRXN1-related conditions. ClinVar contains an entry for this variant (Variation ID: 1480534). An algorithm developed to predict the effect of missense changes on protein structure and function (PolyPhen-2) suggests that this variant is likely to be disruptive. In summary, the available evidence is currently insufficient to determine the role of this variant in disease. Therefore, it has been classified as a Variant of Uncertain Significance.

NM_001330078.2(NRXN1):c.259G>C (p.Gly87Arg)

Gene: NRXN1 (neurexin 1; minus strand). Cytogenetic location: 2p16.3.
Variant type: single nucleotide variant.
Coding change: c.259G>C on transcript NM_001330078.2 (MANE Select); coding-DNA position 259, G replaced by C.
Protein change: p.Gly87Arg; replaces glycine 87 with arginine.
Molecular consequence: missense variant.
Genome position (GRCh38, 1-based): chr2:51,028,015, C>G on the plus strand (G>C on the coding strand, the complement: NRXN1 is on the minus strand). VCF-style: chr2-51028015-C-G. GRCh37 (hg19) VCF-style: chr2-51255153-C-G.
Other names: c.259G>C, p.Gly87Arg (NM_001135659.3, NM_001330077.2, NM_001330079.2 and 15 more transcripts); short protein forms G87R.
Identifiers: ClinVar variation 1480534 (VCV001480534.8), dbSNP rs1190594569, ClinGen allele CA346824363.
Genomic context (GRCh38, chr2:51,028,015, plus strand): 5'-TGTCGGCCAGGAGCGTCGCAGGCTCAGCGCAGAAGATGGAGAAGCTGAGCTGCAGGCGGC[C>G]GCCGCGCGTCAGAATCAGCTCCAGGAAGTCGCAGAAGCCCTCGTCGTCGAAGTAGAGCAC-3'
Protein context (NP_001317007.1, residues 77-97): DFLELILTRG[Gly87Arg]RLQLSFSIFC